The following is an entry in ClinVar:

NM_000327.4(ROM1):c.332G>A (p.Gly111Glu)

Gene: ROM1 (retinal outer segment membrane protein 1; plus strand). Cytogenetic location: 11q12.3.
Variant type: single nucleotide variant.
Coding change: c.332G>A on transcript NM_000327.4 (MANE Select); coding-DNA position 332, G replaced by A.
Protein change: p.Gly111Glu; replaces glycine 111 with glutamic acid.
Molecular consequence: missense variant.
Genome position (GRCh38, 1-based): chr11:62,613,613, G>A. VCF-style: chr11-62613613-G-A. GRCh37 (hg19) VCF-style: chr11-62381085-G-A.
Other names: short protein forms G111E.
Identifiers: ClinVar variation 1520634 (VCV001520634.5), dbSNP rs1471124609, ClinGen allele CA380969376.
Genomic context (GRCh38, chr11:62,613,613, plus strand): 5'-CTCTATACCCTCCCTGGCGAGGGGTCCTGGGCCCGCTGCTGGTGGCTGGCACGGCTGGTG[G>A]GGGGGGGCTCCTGGTCGTCGGCCTCGGGCTAGCCCTGGCTTTGCCTGGGAGTCTGGATGA-3'
Protein context (NP_000318.2, residues 101-121): GPLLVAGTAG[Gly111Glu]GGLLVVGLGL

ClinVar aggregate classification (germline): Uncertain significance (1 of 4 stars; one submission).

Submission:

Labcorp Genetics (formerly Invitae), Labcorp
Classification: Uncertain significance. Last evaluated: 2021-11-13. Review status: criteria provided, single submitter. Criteria: Invitae Variant Classification Sherloc (09022015). Collection method: clinical testing. Allele origin: germline.
Comment: In summary, the available evidence is currently insufficient to determine the role of this variant in disease. Therefore, it has been classified as a Variant of Uncertain Significance. Algorithms developed to predict the effect of missense changes on protein structure and function are either unavailable or do not agree on the potential impact of this missense change (SIFT: "Deleterious"; PolyPhen-2: "Probably Damaging"; Align-GVGD: "Class C0"). This variant has not been reported in the literature in individuals affected with ROM1-related conditions. This variant is present in population databases (no rsID available, gnomAD 0.003%). This sequence change replaces glycine, which is neutral and non-polar, with glutamic acid, which is acidic and polar, at codon 111 of the ROM1 protein (p.Gly111Glu).